The following is an entry in ClinVar:

ClinVar aggregate classification (germline): Conflicting classifications of pathogenicity. Review status: criteria provided, conflicting classifications (1 of 4 stars). 2 submissions from 2 submitters: Uncertain significance (1); Likely benign (1). Last evaluated 2025-09-26.

Conditions:
Inborn genetic diseases. Identifiers: MedGen C0950123, MeSH D030342.

gnomAD v4.1: 47 of 1,576,330 alleles (0.003%); highest among the groups gnomAD compares: Middle Eastern, 0.018%; no homozygotes.

Submissions (2):

Ambry Genetics
Classification: Uncertain significance for Inborn genetic diseases. Last evaluated: 2025-09-26. Review status: criteria provided, single submitter. Criteria: Ambry Variant Classification Scheme 2023. Collection method: clinical testing. Allele origin: germline.

CeGaT Center for Human Genetics Tuebingen
Classification: Likely benign. Last evaluated: 2025-01-01. Review status: criteria provided, single submitter. Criteria: CeGaT Center For Human Genetics Tuebingen Variant Classification Criteria Version 2. Collection method: clinical testing. Allele origin: germline. Affected: yes. Observed: 1 variant allele.
Comment: EMILIN1: BP4

NM_007046.4(EMILIN1):c.1549G>A (p.Gly517Ser)

Gene: EMILIN1 (elastin microfibril interfacer 1; plus strand). Cytogenetic location: 2p23.3.
Variant type: single nucleotide variant.
Coding change: c.1549G>A on transcript NM_007046.4 (MANE Select); coding-DNA position 1549, G replaced by A.
Protein change: p.Gly517Ser; replaces glycine 517 with serine.
Molecular consequence: missense variant.
Genome position (GRCh38, 1-based): chr2:27,083,120, G>A. VCF-style: chr2-27083120-G-A. GRCh37 (hg19) VCF-style: chr2-27305988-G-A.
Other names: c.1549G>A (NM_007046.3); short protein forms G517S.
Identifiers: ClinVar variation 3771241 (VCV003771241.13).